The following is an entry in ClinVar:

ClinVar aggregate classification (germline): Benign/Likely benign. Review status: criteria provided, multiple submitters, no conflicts (2 of 4 stars). 2 submissions from 2 submitters: Benign (1); Likely benign (1). Last evaluated 2025-05-16.

Conditions:
Tuberous sclerosis 2 (TSC2). Identifiers: Orphanet 805, MedGen C1860707, MONDO:0013199, OMIM 613254.

Submissions (2):

Myriad Genetics, Inc.
Classification: Benign for Tuberous sclerosis 2. Last evaluated: 2025-05-16. Review status: criteria provided, single submitter. Criteria: Myriad Autosomal Dominant, Autosomal Recessive and X-Linked Classification Criteria (2023). Collection method: clinical testing. Allele origin: unknown.
Comment: This variant is considered benign. This variant is a silent/synonymous amino acid change and it is not expected to impact splicing.

Labcorp Genetics (formerly Invitae), Labcorp
Classification: Likely benign for Tuberous sclerosis 2. Last evaluated: 2024-06-06. Review status: criteria provided, single submitter. Criteria: Invitae Variant Classification Sherloc (09022015). Collection method: clinical testing. Allele origin: germline.

NM_000548.5(TSC2):c.2079G>A (p.Leu693=)

Gene: TSC2 (TSC complex subunit 2; plus strand). Cytogenetic location: 16p13.3.
Variant type: single nucleotide variant.
Coding change: c.2079G>A on transcript NM_000548.5 (MANE Select); coding-DNA position 2079, G replaced by A.
Protein change: p.Leu693=; no amino-acid change (leucine 693 retained).
Molecular consequence: synonymous variant.
Genome position (GRCh38, 1-based): chr16:2,071,916, G>A. VCF-style: chr16-2071916-G-A. GRCh37 (hg19) VCF-style: chr16-2121917-G-A.
Other names: c.2079G>A, p.Leu693= (NM_021055.3, NM_001077183.3, NM_001114382.3 and 3 more transcripts); c.1968G>A, p.Leu656= (NM_001318827.2); c.1932G>A, p.Leu644= (NM_001318829.2); c.1479G>A, p.Leu493= (NM_001318831.2); c.2112G>A, p.Leu704= (NM_001318832.2).
Identifiers: ClinVar variation 1532372 (VCV001532372.9), dbSNP rs764932531, ClinGen allele CA036261.
Genomic context (GRCh38, chr16:2,071,916, plus strand): 5'-GCCTGCAGGCCCCGCCGTGCGGCTGGGGTCCGTGCCCTACTCCCTGCTCTTCCGCGTCCT[G>A]CTGCAGTGCTTGAAGCAGGTGAGTGGGGCCGGGCAGGGACCATCCGTCCCACGTTGGGCC-3'
Protein context (NP_000539.2, residues 683-703): SVPYSLLFRV[Leu693=]LQCLKQESDW